The following is an entry in ClinVar:

ClinVar aggregate classification (germline): Uncertain significance (1 of 4 stars; one submission).

Allele frequency attached by ClinVar (database versions not stated): gnomAD exomes below 0.00001.
gnomAD v4.1: 3 of 1,611,048 alleles (0.00019%); highest among the groups gnomAD compares: East Asian, 0.0022%; no homozygotes.

Submission:

Labcorp Genetics (formerly Invitae), Labcorp
Classification: Uncertain significance. Last evaluated: 2022-12-27. Review status: criteria provided, single submitter. Criteria: Invitae Variant Classification Sherloc (09022015). Collection method: clinical testing. Allele origin: germline.
Comment: In summary, the available evidence is currently insufficient to determine the role of this variant in disease. Therefore, it has been classified as a Variant of Uncertain Significance. Variants that disrupt the consensus splice site are a relatively common cause of aberrant splicing (PMID: 17576681, 9536098). Algorithms developed to predict the effect of sequence changes on RNA splicing suggest that this variant is not likely to affect RNA splicing. This variant has not been reported in the literature in individuals affected with DSG1-related conditions. This variant is present in population databases (no rsID available, gnomAD 0.0009%). This sequence change falls in intron 6 of the DSG1 gene. It does not directly change the encoded amino acid sequence of the DSG1 protein. It affects a nucleotide within the consensus splice site.

Literature cited by the submitters: PubMed 17576681; PubMed 9536098.

NM_001942.4(DSG1):c.684+4A>G

Gene: DSG1 (desmoglein 1; plus strand). Cytogenetic location: 18q12.1.
Variant type: single nucleotide variant.
Coding change: c.684+4A>G on transcript NM_001942.4 (MANE Select); 4 bases into the intron after coding-DNA position 684, A replaced by G.
Molecular consequence: intron variant.
Genome position (GRCh38, 1-based): chr18:31,331,871, A>G. VCF-style: chr18-31331871-A-G. GRCh37 (hg19) VCF-style: chr18-28911834-A-G.
Identifiers: ClinVar variation 2779534 (VCV002779534.3), dbSNP rs1180794426, ClinGen allele CA629453262.